The following is an entry in ClinVar:

ClinVar aggregate classification (germline): Uncertain significance (1 of 4 stars; one submission).

Conditions:
Ataxia-telangiectasia syndrome (AT). Also called: LOUIS-BAR SYNDROME; Ataxia-telangiectasia, complementation group E; Ataxia-telangiectasia, complementation group D; AT, COMPLEMENTATION GROUP C; Ataxia telangiectasia (A-T); Cerebello-oculocutaneous telangiectasia. Identifiers: Orphanet 100, MedGen C0004135, MONDO:0008840, OMIM 208900.

Allele frequency attached by ClinVar (database versions not stated): gnomAD exomes below 0.00001.
gnomAD v4.1: 1 of 1,607,640 alleles (0.000062%); highest among the groups gnomAD compares: Middle Eastern, 0.017%; no homozygotes.

Submission:

Labcorp Genetics (formerly Invitae), Labcorp
Classification: Uncertain significance for Ataxia-telangiectasia syndrome. Last evaluated: 2018-07-08. Review status: criteria provided, single submitter. Criteria: Invitae Variant Classification Sherloc (09022015). Collection method: clinical testing. Allele origin: germline.
Comment: This sequence change replaces proline with serine at codon 1412 of the ATM protein (p.Pro1412Ser). The proline residue is highly conserved and there is a moderate physicochemical difference between proline and serine. This variant is not present in population databases (ExAC no frequency). This variant has not been reported in the literature in individuals with ATM-related disease. Algorithms developed to predict the effect of missense changes on protein structure and function are either unavailable or do not agree on the potential impact of this missense change (SIFT: "Tolerated"; PolyPhen-2: "Probably Damaging"; Align-GVGD: "Class C0"). In summary, the available evidence is currently insufficient to determine the role of this variant in disease. Therefore, it has been classified as a Variant of Uncertain Significance.

NM_000051.4(ATM):c.4234C>T (p.Pro1412Ser)

Gene: ATM (ATM serine/threonine kinase; plus strand). Cytogenetic location: 11q22.3.
Variant type: single nucleotide variant.
Coding change: c.4234C>T on transcript NM_000051.4 (MANE Select); coding-DNA position 4234, C replaced by T.
Protein change: p.Pro1412Ser; replaces proline 1412 with serine.
Molecular consequence: missense variant.
Genome position (GRCh38, 1-based): chr11:108,289,101, C>T. VCF-style: chr11-108289101-C-T. GRCh37 (hg19) VCF-style: chr11-108159828-C-T.
Other names: c.4234C>T, p.Pro1412Ser (NM_001351834.2); short protein forms P1412S.
Identifiers: ClinVar variation 644250 (VCV000644250.8), dbSNP rs1591660899, ClinGen allele CA382530730.